The following is an entry in ClinVar:

ClinVar aggregate classification (germline): Likely benign (1 of 4 stars; one submission).

Submission:

CeGaT Center for Human Genetics Tuebingen
Classification: Likely benign. Last evaluated: 2022-12-01. Review status: criteria provided, single submitter. Criteria: CeGaT Center For Human Genetics Tuebingen Variant Classification Criteria Version 2. Collection method: clinical testing. Allele origin: germline. Affected: yes. Observed: 1 variant allele.
Comment: JAG1: BS1

NM_000214.3(JAG1):c.*959GTTT[2]

Gene: JAG1 (jagged canonical Notch ligand 1; minus strand). Cytogenetic location: 20p12.2.
Variant type: Microsatellite.
Coding change: c.*959GTTT[2] on transcript NM_000214.3 (MANE Select); two copies in a row of the 4-base unit GTTT starting at c.*959; the reference has three copies in a row; one copy, 4 bases deleted.
Molecular consequence: 3 prime UTR variant.
Genome position (GRCh38, 1-based): chr20:10,638,528-10,638,531, AAAC deleted on the plus strand (GTTT on the coding strand, the reverse complement: JAG1 is on the minus strand); deleting any 4 consecutive bases within chr20:10,638,528-10,638,542 gives the same sequence; the position shown is the placement nearest the transcript's 3' end. VCF-style (leftmost placement, unchanged base first): chr20-10638527-AAAAC-A. GRCh37 (hg19) VCF-style: chr20-10619175-AAAAC-A.
Identifiers: ClinVar variation 337726 (VCV000337726.29), dbSNP rs748163677, ClinGen allele CA10652358.